The following is an entry in ClinVar:

ClinVar aggregate classification (germline): Uncertain significance. Review status: criteria provided, multiple submitters, no conflicts (2 of 4 stars). 2 submissions from 2 submitters: Uncertain significance (2). Last evaluated 2023-11-29.

Conditions:
Multiple endocrine neoplasia type 4. Also called: MULTIPLE ENDOCRINE NEOPLASIA, TYPE IV. Identifiers: Orphanet 276152, MedGen C1970712, MONDO:0012552, OMIM 610755.
Hereditary cancer-predisposing syndrome. Also called: Neoplastic Syndromes, Hereditary; Tumor predisposition; Hereditary Cancer Syndrome; Hereditary neoplastic syndrome. Identifiers: Orphanet 140162, MedGen C0027672, MeSH D009386, MONDO:0015356.

Allele frequency attached by ClinVar (database versions not stated): gnomAD exomes below 0.00001.
gnomAD v4.1: 1 of 1,614,142 alleles (0.000062%); highest among the groups gnomAD compares: Admixed American, 0.0017%; no homozygotes.

Submissions (2):

Labcorp Genetics (formerly Invitae), Labcorp
Classification: Uncertain significance for Multiple endocrine neoplasia type 4. Last evaluated: 2023-11-29. Review status: criteria provided, single submitter. Criteria: Invitae Variant Classification Sherloc (09022015). Collection method: clinical testing. Allele origin: germline.
Comment: This sequence change replaces serine, which is neutral and polar, with tyrosine, which is neutral and polar, at codon 178 of the CDKN1B protein (p.Ser178Tyr). This variant is not present in population databases (gnomAD no frequency). This variant has not been reported in the literature in individuals affected with CDKN1B-related conditions. ClinVar contains an entry for this variant (Variation ID: 1746921). An algorithm developed to predict the effect of missense changes on protein structure and function (PolyPhen-2) suggests that this variant is likely to be disruptive. In summary, the available evidence is currently insufficient to determine the role of this variant in disease. Therefore, it has been classified as a Variant of Uncertain Significance.

Ambry Genetics
Classification: Uncertain significance for Hereditary cancer-predisposing syndrome. Last evaluated: 2021-12-14. Review status: criteria provided, single submitter. Criteria: Ambry Variant Classification Scheme 2023. Collection method: clinical testing. Allele origin: germline.
Comment: The p.S178Y variant (also known as c.533C>A), located in coding exon 2 of the CDKN1B gene, results from a C to A substitution at nucleotide position 533. The serine at codon 178 is replaced by tyrosine, an amino acid with dissimilar properties. This amino acid position is well conserved in available vertebrate species. In addition, this alteration is predicted to be tolerated by in silico analysis. Since supporting evidence is limited at this time, the clinical significance of this alteration remains unclear.

NM_004064.5(CDKN1B):c.533C>A (p.Ser178Tyr)

Gene: CDKN1B (cyclin dependent kinase inhibitor 1B; plus strand). Cytogenetic location: 12p13.1.
Variant type: single nucleotide variant.
Coding change: c.533C>A on transcript NM_004064.5 (MANE Select); coding-DNA position 533, C replaced by A.
Protein change: p.Ser178Tyr; replaces serine 178 with tyrosine.
Molecular consequence: missense variant.
Genome position (GRCh38, 1-based): chr12:12,718,882, C>A. VCF-style: chr12-12718882-C-A. GRCh37 (hg19) VCF-style: chr12-12871816-C-A.
Other names: short protein forms S178Y.
Identifiers: ClinVar variation 1746921 (VCV001746921.4), dbSNP rs2136357372, ClinGen allele CA383972999.